The following is an entry in ClinVar:

NC_000002.11:g.(179535023_179535816)_(179539841_179540647)del

Gene: TTN (titin; minus strand). Cytogenetic location: 2q31.2.
Variant type: Deletion.
Identifiers: ClinVar variation 3629850 (VCV003629850.1).

ClinVar aggregate classification (germline): Uncertain significance (1 of 4 stars; one submission).

Submission:

Women's Health and Genetics/Laboratory Corporation of America, LabCorp
Classification: Uncertain significance. Last evaluated: 2024-11-04. Review status: criteria provided, single submitter. Criteria: LabCorp Variant Classification Summary - May 2015. Collection method: clinical testing. Allele origin: germline.
Comment: Variant summary: The variant involves the deletion of exons 145-151 (NM_133378) in the TTN gene. A presumed nomenclature of c.(30634+1_30635-1)_(31405+1_31406-1)del has been designated for the purposes of this classification. This Copy Number Variant (CNV) is predicted to result in an in-frame deletion within this gene. The variant was absent in 21568 control chromosomes. The available data on variant occurrences in the general population are insufficient to allow any conclusion about variant significance. To our knowledge, no occurrence of c.(30634+1_30635-1)_(31405+1_31406-1)del in individuals affected with TTN-related conditions and no experimental evidence demonstrating its impact on protein function have been reported. No submitters have cited clinical-significance assessments for this variant to ClinVar. Based on the evidence outlined above, the variant was classified as uncertain significance.